The following is an entry in ClinVar:

NM_000143.4(FH):c.909G>C (p.Leu303Phe)

Gene: FH (fumarate hydratase; minus strand). Cytogenetic location: 1q43.
Variant type: single nucleotide variant.
Coding change: c.909G>C on transcript NM_000143.4 (MANE Select); coding-DNA position 909, G replaced by C.
Protein change: p.Leu303Phe; replaces leucine 303 with phenylalanine.
Molecular consequence: missense variant.
Genome position (GRCh38, 1-based): chr1:241,504,241, C>G on the plus strand (G>C on the coding strand, the complement: FH is on the minus strand). VCF-style: chr1-241504241-C-G. GRCh37 (hg19) VCF-style: chr1-241667541-C-G.
Other names: c.909G>C (NM_000143.3); short protein forms L303F.
Identifiers: ClinVar variation 1413368 (VCV001413368.8), dbSNP rs1659857850, ClinGen allele CA345438429.

ClinVar aggregate classification (germline): Uncertain significance. Review status: criteria provided, multiple submitters, no conflicts (2 of 4 stars). 3 submissions from 3 submitters: Uncertain significance (3). Last evaluated 2025-10-05.

Conditions:
Hereditary cancer-predisposing syndrome. Also called: Hereditary neoplastic syndrome; Neoplastic Syndromes, Hereditary; Hereditary Cancer Syndrome; Tumor predisposition. Identifiers: Orphanet 140162, MedGen C0027672, MeSH D009386, MONDO:0015356.
Fumarase deficiency (FMRD). Also called: Fumarate Hydratase Deficiency; Fumaric aciduria. Identifiers: Orphanet 24, MedGen C0342770, MONDO:0011730, OMIM 606812.

Allele frequency attached by ClinVar (database versions not stated): gnomAD 0.00001; TOPMed 0.00001.
gnomAD v4.1: 1 of 1,613,790 alleles (0.000062%); highest among the groups gnomAD compares: Admixed American, 0.0017%; no homozygotes.

Submissions (3):

Ambry Genetics
Classification: Uncertain significance for Hereditary cancer-predisposing syndrome. Last evaluated: 2025-10-05. Review status: criteria provided, single submitter. Criteria: Ambry Variant Classification Scheme 2023. Collection method: clinical testing. Allele origin: germline.
Comment: The p.L303F variant (also known as c.909G>C), located in coding exon 7 of the FH gene, results from a G to C substitution at nucleotide position 909. The leucine at codon 303 is replaced by phenylalanine, an amino acid with highly similar properties. This amino acid position is highly conserved in available vertebrate species. In addition, this alteration is predicted to be deleterious by in silico analysis. Since supporting evidence is limited at this time, the clinical significance of this alteration remains unclear.

Baylor Genetics
Classification: Uncertain significance for Fumarase deficiency. Last evaluated: 2023-10-16. Review status: criteria provided, single submitter. Criteria: ACMG Guidelines, 2015. Collection method: clinical testing. Allele origin: unknown.

Labcorp Genetics (formerly Invitae), Labcorp
Classification: Uncertain significance. Last evaluated: 2021-09-24. Review status: criteria provided, single submitter. Criteria: Invitae Variant Classification Sherloc (09022015). Collection method: clinical testing. Allele origin: germline.
Comment: This sequence change replaces leucine with phenylalanine at codon 303 of the FH protein (p.Leu303Phe). The leucine residue is highly conserved and there is a small physicochemical difference between leucine and phenylalanine. This variant is not present in population databases (ExAC no frequency). This variant has not been reported in the literature in individuals affected with FH-related conditions. Advanced modeling of protein sequence and biophysical properties (such as structural, functional, and spatial information, amino acid conservation, physicochemical variation, residue mobility, and thermodynamic stability) performed at Invitae indicates that this missense variant is expected to disrupt FH protein function. In summary, the available evidence is currently insufficient to determine the role of this variant in disease. Therefore, it has been classified as a Variant of Uncertain Significance.